The following is an entry in ClinVar:

ClinVar aggregate classification (germline): Conflicting classifications of pathogenicity. Review status: criteria provided, conflicting classifications (1 of 4 stars). 10 submissions from 10 submitters: Uncertain significance (6); Likely benign (1). 3 of the submissions do not count toward it. Last evaluated 2025-12-24.

Conditions:
Congenital cataracts-facial dysmorphism-neuropathy syndrome (CCFDN). Also called: CATARACT, CONGENITAL, WITH FACIAL DYSMORPHISM AND NEUROPATHY; CTDP1-Related Congenital Cataracts, Facial Dysmorphism, and Neuropathy. Identifiers: Orphanet 48431, MedGen C1858726, MONDO:0011402, OMIM 604168.
CTDP1-related disorder. Also called: CTDP1-related condition.

Allele frequency attached by ClinVar (database versions not stated): 1000 Genomes Project 30x 0.00016; 1000 Genomes Project 0.00020; ExAC 0.00039; gnomAD 0.00040 and 0.00043; gnomAD exomes 0.00045 and 0.00067; ESP Exome Variant Server 0.00054; TOPMed 0.00056.
gnomAD v4.1: 1,038 of 1,613,986 alleles (0.064%); highest among the groups gnomAD compares: Non-Finnish European, 0.077%; 2 homozygotes.

Submissions (10):

Women's Health and Genetics/Laboratory Corporation of America, LabCorp
Classification: Uncertain significance. Last evaluated: 2025-12-24. Review status: criteria provided, single submitter. Criteria: LabCorp Variant Classification Summary - May 2015. Collection method: clinical testing. Allele origin: germline.
Comment: Variant summary: CTDP1 c.668C>T (p.Thr223Met) results in a non-conservative amino acid change in the encoded protein sequence. Algorithms developed to predict the effect of missense changes on protein structure and function are either unavailable or do not agree on the potential impact of this missense change. The variant allele was found at a frequency of 0.00045 in 250992 control chromosomes. This frequency is not significantly higher than estimated for disease-causing variants in CTDP1, allowing no conclusion about variant significance. To our knowledge, no occurrence of c.668C>T in individuals affected with CTDP1-related conditions and no experimental evidence demonstrating its impact on protein function have been reported. ClinVar contains an entry for this variant (Variation ID: 808410). Based on the evidence outlined above, the variant was classified as uncertain significance.

PreventionGenetics, part of Exact Sciences
Classification: Likely benign for CTDP1-related condition. Last evaluated: 2025-06-09. Review status: criteria provided, single submitter. Criteria: ACMG Guidelines, 2015. Collection method: clinical testing. Allele origin: germline.
Comment: This variant is classified as likely benign based on ACMG/AMP sequence variant interpretation guidelines (Richards et al. 2015 PMID: 25741868, with internal and published modifications).

Mayo Clinic Laboratories, Mayo Clinic
Classification: Uncertain significance. Last evaluated: 2025-04-29. Review status: criteria provided, single submitter. Criteria: ACMG Guidelines, 2015. Collection method: clinical testing. Allele origin: germline. Observed: 6 variant alleles.

Blueprint Genetics
Classification: Uncertain significance. Last evaluated: 2024-11-21. Review status: criteria provided, single submitter. Criteria: ACMG Guidelines, 2015. Collection method: clinical testing. Allele origin: germline.

Daryl Scott Lab, Baylor College of Medicine
Classification: Uncertain significance for Congenital cataracts-facial dysmorphism-neuropathy syndrome. Last evaluated: 2024-01-01. Review status: criteria provided, single submitter. Criteria: ACMG Guidelines, 2015. Collection method: clinical testing. Allele origin: maternal. Observed: 1 heterozygote.
Comment: PP3

Labcorp Genetics (formerly Invitae), Labcorp
Classification: Uncertain significance. Last evaluated: 2022-10-24. Review status: criteria provided, single submitter. Criteria: Invitae Variant Classification Sherloc (09022015). Collection method: clinical testing. Allele origin: germline.
Comment: This sequence change replaces threonine, which is neutral and polar, with methionine, which is neutral and non-polar, at codon 223 of the CTDP1 protein (p.Thr223Met). This variant is present in population databases (rs149796311, gnomAD 0.2%), and has an allele count higher than expected for a pathogenic variant. This variant has not been reported in the literature in individuals affected with CTDP1-related conditions. ClinVar contains an entry for this variant (Variation ID: 808410). Algorithms developed to predict the effect of missense changes on protein structure and function are either unavailable or do not agree on the potential impact of this missense change (SIFT: "Deleterious"; PolyPhen-2: "Probably Damaging"; Align-GVGD: "Class C0"). In summary, the available evidence is currently insufficient to determine the role of this variant in disease. Therefore, it has been classified as a Variant of Uncertain Significance.

CeGaT Center for Human Genetics Tuebingen
Classification: Uncertain significance. Last evaluated: 2016-06-01. Review status: criteria provided, single submitter. Criteria: CeGaT Center For Human Genetics Tuebingen Variant Classification Criteria Version 2. Collection method: clinical testing. Allele origin: germline. Affected: yes. Observed: 1 variant allele.

Clinical Genetics DNA and cytogenetics Diagnostics Lab, Erasmus MC, Erasmus Medical Center
Classification: Uncertain significance. Review status: no assertion criteria provided. Collection method: clinical testing. Allele origin: germline. Affected: yes. Study: VKGL Data-share Consensus. Not counted in ClinVar's aggregate classification.

Clinical Genetics, Academic Medical Center
Classification: Uncertain significance. Review status: no assertion criteria provided. Collection method: clinical testing. Allele origin: germline. Affected: yes. Study: VKGL Data-share Consensus. Not counted in ClinVar's aggregate classification.

Genome Diagnostics Laboratory, University Medical Center Utrecht
Classification: Uncertain significance. Review status: no assertion criteria provided. Collection method: clinical testing. Allele origin: germline. Affected: yes. Study: VKGL Data-share Consensus. Not counted in ClinVar's aggregate classification.

NM_004715.5(CTDP1):c.668C>T (p.Thr223Met)

Gene: CTDP1 (CTD phosphatase 1; plus strand). Cytogenetic location: 18q23.
Variant type: single nucleotide variant.
Coding change: c.668C>T on transcript NM_004715.5 (MANE Select); coding-DNA position 668, C replaced by T.
Protein change: p.Thr223Met; replaces threonine 223 with methionine.
Molecular consequence: missense variant.
Genome position (GRCh38, 1-based): chr18:79,704,813, C>T. VCF-style: chr18-79704813-C-T. GRCh37 (hg19) VCF-style: chr18-77464813-C-T.
Other names: c.311C>T, p.Thr104Met (NM_001202504.1); c.668C>T, p.Thr223Met (NM_001318511.2, NM_048368.4); short protein forms T104M, T223M.
Identifiers: ClinVar variation 808410 (VCV000808410.54), dbSNP rs149796311, ClinGen allele CA9010060.
Genomic context (GRCh38, chr18:79,704,813, plus strand): 5'-ACTATTCTTTTTAGGGCATCTTTCACTTCCAGCTGGGCCGGGGTGAGCCCATGCTGCACA[C>T]GCGCCTGCGTCCACACTGCAAGGACTTCCTGGAGAAGATCGCCAAGCTGTACGAGCTGCA-3'
Protein context (NP_004706.3, residues 213-233): QLGRGEPMLH[Thr223Met]RLRPHCKDFL